The following is an entry in ClinVar:

ClinVar aggregate classification (germline): Likely benign (0 of 4 stars; one submission).

Conditions:
ADCY3-related disorder. Also called: ADCY3-related condition.

Allele frequency attached by ClinVar (database versions not stated): gnomAD exomes 0.00001; ExAC 0.00003; TOPMed 0.00003; gnomAD 0.00004.
gnomAD v4.1: 17 of 1,611,564 alleles (0.0011%); highest among the groups gnomAD compares: African/African-American, 0.0094%; no homozygotes.

Submission:

PreventionGenetics, part of Exact Sciences
Classification: Likely benign for ADCY3-related condition. Last evaluated: 2020-12-31. Review status: no assertion criteria provided. Collection method: clinical testing. Allele origin: germline.
Comment: This variant is classified as likely benign based on ACMG/AMP sequence variant interpretation guidelines (Richards et al. 2015 PMID: 25741868, with internal and published modifications).

NM_004036.5(ADCY3):c.1805+7G>A

Gene: ADCY3 (adenylate cyclase 3; minus strand). Cytogenetic location: 2p23.3.
Variant type: single nucleotide variant.
Coding change: c.1805+7G>A on transcript NM_004036.5 (MANE Select); 7 bases into the intron after coding-DNA position 1805, G replaced by A.
Molecular consequence: intron variant.
Genome position (GRCh38, 1-based): chr2:24,834,787, C>T on the plus strand (G>A on the coding strand, the complement: ADCY3 is on the minus strand). VCF-style: chr2-24834787-C-T. GRCh37 (hg19) VCF-style: chr2-25057656-C-T.
Other names: c.1805+7G>A (NM_001377130.1, NM_001377129.1, NM_001320613.2 and 1 more transcripts); c.1871+7G>A (NM_001377128.1); c.1082+7G>A (NM_001377131.1).
Identifiers: ClinVar variation 3052930 (VCV003052930.2), dbSNP rs768407459, ClinGen allele CA1554011.